The following is an entry in ClinVar:

ClinVar aggregate classification (germline): Pathogenic/Likely pathogenic. Review status: criteria provided, multiple submitters, no conflicts (2 of 4 stars). 12 submissions from 12 submitters: Pathogenic (10); Likely pathogenic (1). 1 of the submissions does not count toward it. Last evaluated 2026-01-05.

Conditions:
Charlevoix-Saguenay spastic ataxia (SACS). Also called: AUTOSOMAL RECESSIVE SPASTIC ATAXIA OF CHARLEVOIX-SAGUENAY; Spastic ataxia of Charlevoix-Saguenay; SPASTIC ATAXIA 6, AUTOSOMAL RECESSIVE. Identifiers: Orphanet 98, MedGen C1849140, MONDO:0010041, OMIM 270550.
SACS-related disorder. Also called: SACS-related condition.
Spastic paraplegia. Identifiers: MedGen C0037772, HP:0001258.
Hereditary ataxia. Also called: Hereditary Ataxias. Identifiers: Orphanet 183518, MedGen C0004138, MONDO:0100309, MONDO:0000557.

Allele frequency attached by ClinVar (database versions not stated): TOPMed below 0.00001; gnomAD 0.00001; gnomAD exomes 0.00002; ESP Exome Variant Server 0.00008.
gnomAD v4.1: 15 of 1,614,070 alleles (0.00093%); highest among the groups gnomAD compares: Non-Finnish European, 0.0011%; no homozygotes.

Submissions (12):

Labcorp Genetics (formerly Invitae), Labcorp
Classification: Pathogenic for Spastic paraplegia. Last evaluated: 2026-01-05. Review status: criteria provided, single submitter. Criteria: Invitae Variant Classification Sherloc (09022015). Collection method: clinical testing. Allele origin: germline.
Comment: This sequence change replaces arginine, which is basic and polar, with cysteine, which is neutral and slightly polar, at codon 272 of the SACS protein (p.Arg272Cys). This variant is present in population databases (rs374128662, gnomAD 0.003%). This missense change has been observed in individual(s) with SACS-related conditions (PMID: 19892370, 30901567). In at least one individual the data is consistent with being in trans (on the opposite chromosome) from a pathogenic variant. It has also been observed to segregate with disease in related individuals. ClinVar contains an entry for this variant (Variation ID: 504884). Invitae Evidence Modeling of protein sequence and biophysical properties (such as structural, functional, and spatial information, amino acid conservation, physicochemical variation, residue mobility, and thermodynamic stability) indicates that this missense variant is expected to disrupt SACS protein function with a positive predictive value of 95%. For these reasons, this variant has been classified as Pathogenic.

First Genomix Gene Laboratory, Genetic Diagnostics Department
Classification: Pathogenic for Charlevoix-Saguenay spastic ataxia. Last evaluated: 2025-05-26. Review status: criteria provided, single submitter. Criteria: ACMG Guidelines, 2015. Collection method: clinical testing. Allele origin: germline. Inheritance: Autosomal recessive inheritance. Affected: no. Observed: 1 variant allele.

Natera, Inc.
Classification: Pathogenic for Charlevoix-Saguenay type spastic ataxia. Last evaluated: 2025-04-16. Review status: criteria provided, single submitter. Criteria: Natera Variant Classification Schema (03/2026). Collection method: clinical testing. Allele origin: germline.
Comment: The c.814C>T variant in SACS is a missense variant predicted to cause substitution of arginine to cysteine at amino acid 272. This variant is rare in the general population with a frequency below the threshold expected for the associated phenotype(s). This variant has been observed in one or more individuals affected with the associated recessive disease, as either homozygous or compound heterozygous with a second variant (PMID: 19892370, 23250129, 30901567). Additionally, this variant has been observed to segregate in affected family members (PMID: 19892370). Computational prediction algorithms indicate this variant is likely to affect gene or protein function. Given the available evidence, this variant is classified as Pathogenic.

Baylor Genetics
Classification: Pathogenic for Charlevoix-Saguenay spastic ataxia. Last evaluated: 2023-11-09. Review status: criteria provided, single submitter. Criteria: ACMG Guidelines, 2015. Collection method: clinical testing. Allele origin: unknown.

Blueprint Genetics
Classification: Pathogenic for SACS-related disorders. Last evaluated: 2023-08-30. Review status: criteria provided, single submitter. Criteria: ACMG Guidelines, 2015. Collection method: clinical testing. Allele origin: germline. Affected: yes. Observed: 5 variant alleles.

Athena Diagnostics
Classification: Pathogenic. Last evaluated: 2023-04-06. Review status: criteria provided, single submitter. Criteria: Athena Diagnostics Criteria. Collection method: clinical testing. Allele origin: unknown.
Comment: The frequency of this variant in the general population is consistent with pathogenicity. This variant has been identified in at least one individual with clinical features associated with this gene. Assessment of experimental evidence suggests this variant results in abnormal protein function. (PMID: 30866998, 29945973). In multiple individuals, this variant has been seen with a single recessive pathogenic variant in the same gene, suggesting this variant may also be pathogenic.

PROSPAX: an integrated multimodal progression  chart in spastic ataxias, Center for Neurology; Hertie-Institute for Clinical Brain Research
Classification: Pathogenic for Charlevoix-Saguenay spastic ataxia. Last evaluated: 2022-01-01. Review status: criteria provided, single submitter. Criteria: ACMG Guidelines, 2015. Collection method: research. Allele origin: germline. Affected: yes. Observed: 1 variant allele, 1 compound heterozygote.

Genome-Nilou Lab
Classification: Pathogenic for Charlevoix-Saguenay spastic ataxia. Last evaluated: 2021-09-05. Review status: criteria provided, single submitter. Criteria: ACMG Guidelines, 2015. Collection method: clinical testing. Allele origin: germline. Affected: no.

GeneDx
Classification: Pathogenic. Last evaluated: 2020-08-13. Review status: criteria provided, single submitter. Criteria: GeneDx Variant Classification Process June 2021. Collection method: clinical testing. Allele origin: germline. Affected: yes.
Comment: Published functional studies demonstrate a damaging effect (Lariviere et al., 2019); Not observed at a significant frequency in large population cohorts (Lek et al., 2016); In silico analysis, which includes protein predictors and evolutionary conservation, supports a deleterious effect; This variant is associated with the following publications: (PMID: 30866998, 23250129, 30901567, 29945973, 31493945, 19892370, 23280630)

Women's Health and Genetics/Laboratory Corporation of America, LabCorp
Classification: Pathogenic for Charlevoix-Saguenay spastic ataxia. Last evaluated: 2019-01-24. Review status: criteria provided, single submitter. Criteria: LabCorp Variant Classification Summary - May 2015. Collection method: clinical testing. Allele origin: germline.
Comment: Variant summary: SACS c.814C>T (p.Arg272Cys) results in a non-conservative amino acid change in the encoded protein sequence. Five of five in-silico tools predict a damaging effect of the variant on protein function. The variant allele was found at a frequency of 1.2e-05 in 246202 control chromosomes. c.814C>T has been reported in the literature in multiple individuals affected with Autosomal Recessive Spastic Ataxia of Charlevoix-Saguenay and in families with segregation data (Guernsey_2010, Thiffaul_2013). These data indicate that the variant is very likely to be associated with disease. To our knowledge, no experimental evidence demonstrating an impact on protein function has been reported. Two clinical diagnostic laboratories have submitted clinical-significance assessments for this variant to ClinVar after 2014 without evidence for independent evaluation. All laboratories classified the variant as likely pathogenic. Based on the evidence outlined above, the variant was classified as pathogenic.

Laboratory for Molecular Medicine, Mass General Brigham Personalized Medicine
Classification: Likely pathogenic for Hereditary ataxia. Last evaluated: 2016-10-28. Review status: criteria provided, single submitter. Criteria: LMM Criteria. Collection method: clinical testing. Allele origin: germline. Inheritance: Autosomal recessive inheritance. Observed: 1 variant allele.
Comment: The p.Arg272Cys variant in SACS has been reported in 2 individuals with ataxia a nd segregated with the disease in 3 affected individuals from each family. Affec ted members from one of the families were homozygous whereas affected individual s from the other family were compound heterozygous (Guernsey 2010), while unaffe cted individuals were all heterozygous or did not have the p.Arg272Cys variant. The variant has been identified in 1/8600 European American chromosomes by the N HLBI Exome Sequencing Project and was absent from >60,000 individuals in the ExA C database (dbSNP rs374128662). Although this variant has been seen in the general populatio n, its frequency is low enough to be consistent with a recessive carrier frequen cy. Computational prediction tools and conservation analysis suggest that the p. Arg272Cys variant may impact the protein, though this information is not predict ive enough to determine pathogenicity. In summary, although additional studies a re required to fully establish its clinical significance, the p.Arg272Cys varian t is likely pathogenic.

Counsyl
Classification: Likely pathogenic for Charlevoix-Saguenay spastic ataxia. Last evaluated: 2017-06-13. Review status: no assertion criteria provided. Collection method: clinical testing. Allele origin: unknown. Not counted in ClinVar's aggregate classification.

Literature cited by the submitters: PubMed 19892370 (cited by 6 submitters); PubMed 30901567 (cited by 3 submitters); PubMed 23250129 (cited by 4 submitters); PubMed 29945973 (cited by Athena Diagnostics); PubMed 30866998 (cited by Athena Diagnostics); PubMed 35326432 (cited by Athena Diagnostics); PubMed 23280630 (cited by Counsyl).

NM_014363.6(SACS):c.814C>T (p.Arg272Cys)

Gene: SACS (sacsin molecular chaperone; minus strand). Cytogenetic location: 13q12.12.
Variant type: single nucleotide variant.
Coding change: c.814C>T on transcript NM_014363.6 (MANE Select); coding-DNA position 814, C replaced by T.
Protein change: p.Arg272Cys; replaces arginine 272 with cysteine.
Molecular consequence: missense variant.
Genome position (GRCh38, 1-based): chr13:23,355,798, G>A on the plus strand (C>T on the coding strand, the complement: SACS is on the minus strand). VCF-style: chr13-23355798-G-A. GRCh37 (hg19) VCF-style: chr13-23929937-G-A.
Other names: c.373C>T, p.Arg125Cys (NM_001278055.2); c.814C>T (NM_014363.5); short protein forms R272C, R125C.
Identifiers: ClinVar variation 504884 (VCV000504884.28), dbSNP rs374128662, ClinGen allele CA246678438.